The following is an entry in ClinVar:

ClinVar aggregate classification (germline): Pathogenic (1 of 4 stars; one submission).

Conditions:
Marfan syndrome (MFS). Also called: Marfan syndrome type 1; Marfan's syndrome; FBN1-Related Marfan Syndrome; MARFAN SYNDROME, TYPE I; Marfan syndrome, classic. Identifiers: Orphanet 284963, Orphanet 558, MedGen C0024796, MONDO:0007947, OMIM 154700.
Familial thoracic aortic aneurysm and aortic dissection (TAAD). Also called: Thoracic aortic aneurysms and dissections. Identifiers: Orphanet 91387, MedGen C4707243, MONDO:0019625.

Submission:

Labcorp Genetics (formerly Invitae), Labcorp
Classification: Pathogenic for Marfan syndrome; Familial thoracic aortic aneurysm and aortic dissection. Last evaluated: 2021-01-20. Review status: criteria provided, single submitter. Criteria: Invitae Variant Classification Sherloc (09022015). Collection method: clinical testing. Allele origin: germline.
Comment: This sequence change replaces cysteine with serine at codon 1472 of the FBN1 protein (p.Cys1472Ser). The cysteine residue is highly conserved and there is a moderate physicochemical difference between cysteine and serine. This variant is not present in population databases (ExAC no frequency). This variant has been observed in individual(s) with clinical features of Marfan syndrome (Invitae). Advanced modeling of protein sequence and biophysical properties (such as structural, functional, and spatial information, amino acid conservation, physicochemical variation, residue mobility, and thermodynamic stability) performed at Invitae indicates that this missense variant is expected to disrupt FBN1 protein function. This variant affects a cysteine residue in the EGF-like, TGFBP or hybrid motif domains of FBN1. Cysteine residues are believed to be involved in intramolecular disulfide bridges and have been shown to be important for FBN1 protein structure (PMID: 16905551, 19349279). In addition, missense substitutions affecting cysteine residues within these domains are significantly overrepresented among patients with Marfan syndrome (PMID: 16571647, 17701892). For these reasons, this variant has been classified as Pathogenic. This variant disrupts the p.Cys1472 amino acid residue in FBN1. Other variant(s) that disrupt this residue have been observed in individuals with FBN1-related conditions (PMID: 26787436, Invitae), which suggests that this may be a clinically significant amino acid residue.

Literature cited by the submitters: PubMed 16905551; PubMed 19349279; PubMed 16571647; PubMed 17701892; PubMed 26787436.

NM_000138.5(FBN1):c.4414T>A (p.Cys1472Ser)

Gene: FBN1 (fibrillin 1; minus strand). Cytogenetic location: 15q21.1.
Variant type: single nucleotide variant.
Coding change: c.4414T>A on transcript NM_000138.5 (MANE Select); coding-DNA position 4414, T replaced by A.
Protein change: p.Cys1472Ser; replaces cysteine 1472 with serine.
Molecular consequence: missense variant.
Genome position (GRCh38, 1-based): chr15:48,470,679, A>T on the plus strand (T>A on the coding strand, the complement: FBN1 is on the minus strand). VCF-style: chr15-48470679-A-T. GRCh37 (hg19) VCF-style: chr15-48762876-A-T.
Other names: short protein forms C1472S.
Identifiers: ClinVar variation 1369075 (VCV001369075.8), dbSNP rs1555397403, ClinGen allele CA392354461.